The following is an entry in ClinVar:

ClinVar aggregate classification (germline): Uncertain significance (1 of 4 stars; one submission).

Submission:

Labcorp Genetics (formerly Invitae), Labcorp
Classification: Uncertain significance. Last evaluated: 2025-09-03. Review status: criteria provided, single submitter. Criteria: Invitae Variant Classification Sherloc (09022015). Collection method: clinical testing. Allele origin: germline.
Comment: This sequence change replaces alanine, which is neutral and non-polar, with proline, which is neutral and non-polar, at codon 567 of the CTR9 protein (p.Ala567Pro). This variant is not present in population databases (gnomAD no frequency). This variant has not been reported in the literature in individuals affected with CTR9-related conditions. An algorithm developed to predict the effect of missense changes on protein structure and function (PolyPhen-2) suggests that this variant is likely to be disruptive. In summary, the available evidence is currently insufficient to determine the role of this variant in disease. Therefore, it has been classified as a Variant of Uncertain Significance.

NM_014633.5(CTR9):c.1699G>C (p.Ala567Pro)

Gene: CTR9 (CTR9 component of Paf1/RNA polymerase II complex; plus strand). Cytogenetic location: 11p15.4.
Variant type: single nucleotide variant.
Coding change: c.1699G>C on transcript NM_014633.5 (MANE Select); coding-DNA position 1699, G replaced by C.
Protein change: p.Ala567Pro; replaces alanine 567 with proline.
Molecular consequence: missense variant.
Genome position (GRCh38, 1-based): chr11:10,767,818, G>C. VCF-style: chr11-10767818-G-C. GRCh37 (hg19) VCF-style: chr11-10789365-G-C.
Other names: c.1699G>C, p.Ala567Pro (NM_001346279.2); short protein forms A567P.
Identifiers: ClinVar variation 4726582 (VCV004726582.1).